The following is an entry in ClinVar:

NC_000001.10:g.(?_235590435)_(235597615_?)del

Gene: TBCE (tubulin folding cofactor E; plus strand). Cytogenetic location: 1q42.3.
Variant type: Deletion.
Identifiers: ClinVar variation 3247956 (VCV003247956.1).

ClinVar aggregate classification (germline): Pathogenic (1 of 4 stars; one submission).

Submission:

Labcorp Genetics (formerly Invitae), Labcorp
Classification: Pathogenic. Last evaluated: 2023-11-17. Review status: criteria provided, single submitter. Criteria: Invitae Variant Classification Sherloc (09022015). Collection method: clinical testing. Allele origin: unknown.
Comment: This variant is a gross deletion of the genomic region encompassing exon(s) 6-8 of the TBCE gene. This deletion is out-of-frame, and is expected to create a premature termination codon and result in an absent or disrupted protein product. Loss-of-function variants in TBCE are known to be pathogenic (PMID: 27666369, 34134906, 34356170). This variant has not been reported in the literature in individuals affected with TBCE-related conditions. For these reasons, this variant has been classified as Pathogenic.

Literature cited by the submitters: PubMed 27666369; PubMed 34134906; PubMed 34356170.